The following is an entry in ClinVar:

ClinVar aggregate classification (germline): Uncertain significance. Review status: criteria provided, multiple submitters, no conflicts (2 of 4 stars). 2 submissions from 2 submitters: Uncertain significance (2). Last evaluated 2024-12-16.

Conditions:
Inborn genetic diseases. Identifiers: MedGen C0950123, MeSH D030342.

Allele frequency attached by ClinVar (database versions not stated): gnomAD 0.00001 and 0.00003; TOPMed 0.00003; gnomAD exomes 0.00004 and 0.00005; ExAC 0.00005.
gnomAD v4.1: 58 of 1,614,040 alleles (0.0036%); highest among the groups gnomAD compares: South Asian, 0.016%; no homozygotes.

Submissions (2):

Labcorp Genetics (formerly Invitae), Labcorp
Classification: Uncertain significance. Last evaluated: 2024-12-16. Review status: criteria provided, single submitter. Criteria: Invitae Variant Classification Sherloc (09022015). Collection method: clinical testing. Allele origin: germline.
Comment: This sequence change replaces alanine, which is neutral and non-polar, with valine, which is neutral and non-polar, at codon 400 of the MYO5B protein (p.Ala400Val). This variant is present in population databases (rs772794033, gnomAD 0.02%). This variant has not been reported in the literature in individuals affected with MYO5B-related conditions. ClinVar contains an entry for this variant (Variation ID: 1445834). Invitae Evidence Modeling of protein sequence and biophysical properties (such as structural, functional, and spatial information, amino acid conservation, physicochemical variation, residue mobility, and thermodynamic stability) indicates that this missense variant is not expected to disrupt MYO5B protein function with a negative predictive value of 80%. In summary, the available evidence is currently insufficient to determine the role of this variant in disease. Therefore, it has been classified as a Variant of Uncertain Significance.

Ambry Genetics
Classification: Uncertain significance for Inborn genetic diseases. Last evaluated: 2021-07-09. Review status: criteria provided, single submitter. Criteria: Ambry Variant Classification Scheme 2023. Collection method: clinical testing. Allele origin: germline.

NM_001080467.3(MYO5B):c.1199C>T (p.Ala400Val)

Gene: MYO5B (myosin VB; minus strand). Cytogenetic location: 18q21.1.
Variant type: single nucleotide variant.
Coding change: c.1199C>T on transcript NM_001080467.3 (MANE Select); coding-DNA position 1199, C replaced by T.
Protein change: p.Ala400Val; replaces alanine 400 with valine.
Molecular consequence: missense variant.
Genome position (GRCh38, 1-based): chr18:49,974,473, G>A on the plus strand (C>T on the coding strand, the complement: MYO5B is on the minus strand). VCF-style: chr18-49974473-G-A. GRCh37 (hg19) VCF-style: chr18-47500843-G-A.
Other names: c.1199C>T (NM_001080467.2); short protein forms A400V.
Identifiers: ClinVar variation 1445834 (VCV001445834.6), dbSNP rs772794033, ClinGen allele CA8961615.